The following is an entry in ClinVar:

NM_022489.4(INF2):c.2023C>G (p.Leu675Val)

Gene: INF2 (inverted formin 2; plus strand). Cytogenetic location: 14q32.33.
Variant type: single nucleotide variant.
Coding change: c.2023C>G on transcript NM_022489.4 (MANE Select); coding-DNA position 2023, C replaced by G.
Protein change: p.Leu675Val; replaces leucine 675 with valine.
Molecular consequence: missense variant.
Genome position (GRCh38, 1-based): chr14:104,709,354, C>G. VCF-style: chr14-104709354-C-G. GRCh37 (hg19) VCF-style: chr14-105175691-C-G.
Other names: c.2023C>G, p.Leu675Val (NM_001031714.4, NM_001426862.1, NM_001426863.1 and 2 more transcripts); short protein forms L675V.
Identifiers: ClinVar variation 2954545 (VCV002954545.3), dbSNP rs1370319309, ClinGen allele CA391219698.

ClinVar aggregate classification (germline): Uncertain significance (1 of 4 stars; one submission).

Conditions:
Charcot-Marie-Tooth disease dominant intermediate E. Also called: CHARCOT-MARIE-TOOTH NEUROPATHY WITH FOCAL SEGMENTAL GLOMERULONEPHRITIS. Identifiers: Orphanet 93114, MedGen C4302667, MONDO:0013758, OMIM 614455.
Focal segmental glomerulosclerosis 5 (FSGS5). Identifiers: Orphanet 656, MedGen C2750475, MONDO:0013191, OMIM 613237.

Submission:

Labcorp Genetics (formerly Invitae), Labcorp
Classification: Uncertain significance for Charcot-Marie-Tooth disease dominant intermediate E; Focal segmental glomerulosclerosis 5. Last evaluated: 2023-12-09. Review status: criteria provided, single submitter. Criteria: Invitae Variant Classification Sherloc (09022015). Collection method: clinical testing. Allele origin: germline.
Comment: This sequence change replaces leucine, which is neutral and non-polar, with valine, which is neutral and non-polar, at codon 675 of the INF2 protein (p.Leu675Val). This variant is not present in population databases (gnomAD no frequency). This variant has not been reported in the literature in individuals affected with INF2-related conditions. Advanced modeling of protein sequence and biophysical properties (such as structural, functional, and spatial information, amino acid conservation, physicochemical variation, residue mobility, and thermodynamic stability) performed at Invitae indicates that this missense variant is not expected to disrupt INF2 protein function with a negative predictive value of 95%. In summary, the available evidence is currently insufficient to determine the role of this variant in disease. Therefore, it has been classified as a Variant of Uncertain Significance.